The following is an entry in ClinVar:

ClinVar aggregate classification (germline): Pathogenic (1 of 4 stars; one submission).

Conditions:
Familial thoracic aortic aneurysm and aortic dissection (TAAD). Also called: Thoracic aortic aneurysms and dissections. Identifiers: Orphanet 91387, MedGen C4707243, MONDO:0019625.
Marfan syndrome (MFS). Also called: MARFAN SYNDROME, TYPE I; Marfan syndrome type 1; Marfan's syndrome; Marfan syndrome, classic; FBN1-Related Marfan Syndrome. Identifiers: Orphanet 284963, Orphanet 558, MedGen C0024796, MONDO:0007947, OMIM 154700.

Submission:

Labcorp Genetics (formerly Invitae), Labcorp
Classification: Pathogenic for Marfan syndrome; Familial thoracic aortic aneurysm and aortic dissection. Last evaluated: 2022-04-04. Review status: criteria provided, single submitter. Criteria: Invitae Variant Classification Sherloc (09022015). Collection method: clinical testing. Allele origin: germline.
Comment: For these reasons, this variant has been classified as Pathogenic. This variant has not been reported in the literature in individuals affected with FBN1-related conditions. This variant is not present in population databases (gnomAD no frequency). This sequence change creates a premature translational stop signal (p.Tyr1799*) in the FBN1 gene. It is expected to result in an absent or disrupted protein product. Loss-of-function variants in FBN1 are known to be pathogenic (PMID: 17657824, 19293843).

Literature cited by the submitters: PubMed 17657824; PubMed 19293843.

NM_000138.5(FBN1):c.5396dup (p.Tyr1799Ter)

Gene: FBN1 (fibrillin 1; minus strand). Cytogenetic location: 15q21.1.
Variant type: Duplication.
Coding change: c.5396dup on transcript NM_000138.5 (MANE Select); coding-DNA position 5396, one base duplicated (A; older notation c.5396dupA).
Protein change: p.Tyr1799Ter; replaces tyrosine 1799 with a stop codon.
Molecular consequence: nonsense. On other transcripts: frameshift variant (1).
Genome position (GRCh38, 1-based): chr15:48,456,663, T duplicated on the plus strand (A on the coding strand, the reverse complement: FBN1 is on the minus strand). VCF-style (leftmost placement, unchanged base first): chr15-48456662-A-AT. GRCh37 (hg19) VCF-style: chr15-48748859-A-AT.
Other names: c.5396dup, p.Tyr1799Terfs (NM_001406716.1); short protein forms Y1799*.
Identifiers: ClinVar variation 2121026 (VCV002121026.4), dbSNP rs2505478915, ClinGen allele CA2580089598.